The following is an entry in ClinVar:

ClinVar aggregate classification (germline): Uncertain significance (1 of 4 stars; one submission).

Conditions:
Mosaic variegated aneuploidy syndrome 1 (MVA1). Also called: Warburton-Anyane-Yeboa syndrome. Identifiers: Orphanet 1052, MedGen C1850343, MONDO:0009759, OMIM 257300.

Submission:

Labcorp Genetics (formerly Invitae), Labcorp
Classification: Uncertain significance for Mosaic variegated aneuploidy syndrome 1. Last evaluated: 2020-02-06. Review status: criteria provided, single submitter. Criteria: Invitae Variant Classification Sherloc (09022015). Collection method: clinical testing. Allele origin: germline.
Comment: This sequence change replaces phenylalanine with tyrosine at codon 217 of the BUB1B protein (p.Phe217Tyr). The phenylalanine residue is weakly conserved and there is a small physicochemical difference between phenylalanine and tyrosine. This variant is not present in population databases (ExAC no frequency). This variant has not been reported in the literature in individuals with BUB1B-related conditions. Algorithms developed to predict the effect of missense changes on protein structure and function (SIFT, PolyPhen-2, Align-GVGD) all suggest that this variant is likely to be tolerated, but these predictions have not been confirmed by published functional studies and their clinical significance is uncertain. In summary, the available evidence is currently insufficient to determine the role of this variant in disease. Therefore, it has been classified as a Variant of Uncertain Significance.

NM_001211.6(BUB1B):c.650T>A (p.Phe217Tyr)

Gene: BUB1B (BUB1 mitotic checkpoint serine/threonine kinase B; plus strand). Cytogenetic location: 15q15.1.
Variant type: single nucleotide variant.
Coding change: c.650T>A on transcript NM_001211.6 (MANE Select); coding-DNA position 650, T replaced by A.
Protein change: p.Phe217Tyr; replaces phenylalanine 217 with tyrosine.
Molecular consequence: missense variant.
Genome position (GRCh38, 1-based): chr15:40,183,782, T>A. VCF-style: chr15-40183782-T-A. GRCh37 (hg19) VCF-style: chr15-40475983-T-A.
Other names: short protein forms F217Y.
Identifiers: ClinVar variation 1056449 (VCV001056449.9), dbSNP rs2140889790, ClinGen allele CA391683321.